The following is an entry in ClinVar:

NM_172250.3(MMAA):c.1104G>A (p.Trp368Ter)

Gene: MMAA (metabolism of cobalamin associated A; plus strand). Cytogenetic location: 4q31.21.
Variant type: single nucleotide variant.
Coding change: c.1104G>A on transcript NM_172250.3 (MANE Select); coding-DNA position 1104, G replaced by A.
Protein change: p.Trp368Ter; replaces tryptophan 368 with a stop codon.
Molecular consequence: nonsense.
Genome position (GRCh38, 1-based): chr4:145,655,281, G>A. VCF-style: chr4-145655281-G-A. GRCh37 (hg19) VCF-style: chr4-146576433-G-A.
Other names: short protein forms W368*.
Identifiers: ClinVar variation 430558 (VCV000430558.3), dbSNP rs1131692023, ClinGen allele CA358346012.

ClinVar aggregate classification (germline): Pathogenic/Likely pathogenic. Review status: criteria provided, multiple submitters, no conflicts (2 of 4 stars). 2 submissions from 2 submitters: Pathogenic (1); Likely pathogenic (1). Last evaluated 2025-12-19.

Conditions:
Methylmalonic aciduria, cblA type (MACA). Also called: Methylmalonic aciduria, vitamin B12-responsive; Vitamin B12-responsive methylmalonic acidemia type cblA; Methylmalonic aciduria, vitamin b12-responsive, due to defect in synthesis of adenosylcobalamin, cbla complementation type; MMA cbl A type; Methylmalonic acidemia cblA type. Identifiers: Orphanet 28, Orphanet 79310, MedGen C1855109, MONDO:0009613, OMIM 251100.

Submissions (2):

Myriad Genetics, Inc.
Classification: Pathogenic for Methylmalonic aciduria, cblA type. Last evaluated: 2025-12-19. Review status: criteria provided, single submitter. Criteria: Myriad Autosomal Dominant, Autosomal Recessive and X-Linked Classification Criteria (2023). Collection method: clinical testing. Allele origin: unknown.
Comment: NM_172250.2(MMAA):c.1104G>A(W368*) is a nonsense variant classified as pathogenic in the context of methylmalonic acidemia, cblA type. W368* has not been observed in cases with relevant disease. Relevant functional assessments of this variant are not available in the literature. W368* has not been observed in referenced population frequency databases. In summary, NM_172250.2(MMAA):c.1104G>A(W368*) is a nonsense variant in a gene where loss of function is a known mechanism of disease and is predicted to disrupt protein function. Please note: this variant was assessed in the context of healthy population screening.

GeneDx
Classification: Likely pathogenic. Last evaluated: 2016-09-21. Review status: criteria provided, single submitter. Criteria: GeneDx Variant Classification (06012015). Collection method: clinical testing. Allele origin: germline. Affected: yes.
Comment: The W368X variant in the MMAA gene has not been published as a pathogenic variant, nor has it been reported as a benign variant to our knowledge. This variant was not observed in approximately 6500 individuals of European and African American ancestry in the NHLBI Exome Sequencing Project, indicating it is not a common benign variant in these populations. The W368X variant is predicted to cause loss of normal protein function through protein truncation. In summary, we interpret this variant to be likely pathogenic